The following is an entry in ClinVar:

ClinVar aggregate classification (germline): Uncertain significance. Review status: criteria provided, multiple submitters, no conflicts (2 of 4 stars). 2 submissions from 2 submitters: Uncertain significance (2). Last evaluated 2025-12-08.

Conditions:
Candidiasis, familial, 9 (CANDF9). Identifiers: Orphanet 1334, MedGen C4225324, MONDO:0014642, OMIM 616445.

Allele frequency attached by ClinVar (database versions not stated): TOPMed 0.00001; gnomAD 0.00003 and 0.00004; gnomAD exomes 0.00003 and 0.00013; ExAC 0.00004.
gnomAD v4.1: 183 of 1,594,164 alleles (0.011%); highest among the groups gnomAD compares: Non-Finnish European, 0.015%; no homozygotes.

Submissions (2):

Labcorp Genetics (formerly Invitae), Labcorp
Classification: Uncertain significance for Candidiasis, familial, 9. Last evaluated: 2025-12-08. Review status: criteria provided, single submitter. Criteria: Invitae Variant Classification Sherloc (09022015). Collection method: clinical testing. Allele origin: germline.
Comment: This sequence change replaces arginine, which is basic and polar, with leucine, which is neutral and non-polar, at codon 639 of the IL17RC protein (p.Arg639Leu). The frequency data for this variant in the population databases is considered unreliable, as metrics indicate poor data quality at this position in the gnomAD database. This variant has not been reported in the literature in individuals affected with IL17RC-related conditions. ClinVar contains an entry for this variant (Variation ID: 850104). An algorithm developed to predict the effect of missense changes on protein structure and function outputs the following: PolyPhen-2: "Benign". The leucine amino acid residue is found in multiple mammalian species, which suggests that this missense change does not adversely affect protein function. In summary, the available evidence is currently insufficient to determine the role of this variant in disease. Therefore, it has been classified as a Variant of Uncertain Significance.

Ambry Genetics
Classification: Uncertain significance. Last evaluated: 2022-09-28. Review status: criteria provided, single submitter. Criteria: Ambry Variant Classification Scheme 2023. Collection method: clinical testing. Allele origin: germline.

NM_153460.4(IL17RC):c.1703G>T (p.Arg568Leu)

Gene: IL17RC (interleukin 17 receptor C; plus strand). Cytogenetic location: 3p25.3.
Variant type: single nucleotide variant.
Coding change: c.1703G>T on transcript NM_153460.4 (MANE Select); coding-DNA position 1703, G replaced by T.
Protein change: p.Arg568Leu; replaces arginine 568 with leucine.
Molecular consequence: missense variant. On other transcripts: non-coding transcript variant (1).
Genome position (GRCh38, 1-based): chr3:9,933,133, G>T. VCF-style: chr3-9933133-G-T. GRCh37 (hg19) VCF-style: chr3-9974817-G-T.
Other names: c.1664G>T, p.Arg555Leu (NM_001203263.2); c.1613G>T, p.Arg538Leu (NM_001203264.2); c.1607G>T, p.Arg536Leu (NM_001203265.2); c.1625G>T, p.Arg542Leu (NM_001367278.1); c.1544G>T, p.Arg515Leu (NM_001367279.1); c.1619G>T, p.Arg540Leu (NM_001367280.1); c.1658G>T, p.Arg553Leu (NM_032732.6); c.1916G>T, p.Arg639Leu (NM_153461.4); short protein forms R536L, R542L, R568L, R515L, R540L, R555L, R538L, R553L.
Identifiers: ClinVar variation 850104 (VCV000850104.7), dbSNP rs760816923, ClinGen allele CA2247388.